The following is an entry in ClinVar:

NM_014112.5(TRPS1):c.2573_2579del (p.Leu858fs)

Gene: TRPS1 (transcriptional repressor GATA binding 1; minus strand). Cytogenetic location: 8q23.3.
Variant type: Deletion.
Coding change: c.2573_2579del on transcript NM_014112.5 (MANE Select); coding-DNA positions 2573 to 2579, 7 bases deleted (TGGCTGT; older notation c.2573_2579delTGGCTGT).
Protein change: p.Leu858fs; shifts the reading frame from leucine 858.
Molecular consequence: frameshift variant.
Genome position (GRCh38, 1-based): chr8:115,587,122-115,587,128, ACAGCCA deleted on the plus strand (TGGCTGT on the coding strand, the reverse complement: TRPS1 is on the minus strand); deleting any 7 consecutive bases within chr8:115,587,122-115,587,129 gives the same sequence; the c. name uses the placement nearest the transcript's 3' end. VCF-style (leftmost placement, unchanged base first): chr8-115587121-CACAGCCA-C. GRCh37 (hg19) VCF-style: chr8-116599348-CACAGCCA-C.
Other names: c.2546_2552del, p.Leu849fs (NM_001282902.3); c.2552_2558del, p.Leu851fs (NM_001282903.3); c.2534_2540del, p.Leu845fs (NM_001330599.2); short protein forms L849fs, L858fs, L845fs, L851fs.
Identifiers: ClinVar variation 5031171 (VCV005031171.1).
Genomic context (GRCh38, chr8:115,587,121, plus strand): 5'-GGGGAGGGCCCCAGACTTCTCTCCGCCAGCTGGCGCCCCCTGCAGGAATCCCTTGGTTTC[CACAGCCA>C]AGCCATAAATAGGTCGCGCCAGATGGGCGGCCTCCACATTGGGACTATCCCTTAGAGTCT-3'

ClinVar aggregate classification (germline): Pathogenic (1 of 4 stars; one submission).

Conditions:
Inborn genetic diseases. Identifiers: MedGen C0950123, MeSH D030342.

Submission:

Ambry Genetics
Classification: Pathogenic for Inborn genetic diseases. Last evaluated: 2026-07-27. Review status: criteria provided, single submitter. Criteria: Ambry Variant Classification Scheme 2023. Collection method: clinical testing. Allele origin: germline.
Comment: The c.2573_2579delTGGCTGT (p.L858Wfs*54) alteration, located in exon 5 (coding exon 4) of the TRPS1 gene, consists of a deletion of 7 nucleotides from position 2573 to 2579, causing a translational frameshift with a predicted alternate stop codon after 54 amino acids. This variant is expected to result in loss of function by premature protein truncation or nonsense-mediated mRNA decay. This variant was not reported in population-based cohorts in the Genome Aggregation Database (gnomAD). Based on the available evidence, this alteration is classified as pathogenic.